The following is an entry in ClinVar:

NM_001482.3(GATM):c.1257G>A (p.Gln419=)

Gene: GATM (glycine amidinotransferase; minus strand). Cytogenetic location: 15q21.1.
Variant type: single nucleotide variant.
Coding change: c.1257G>A on transcript NM_001482.3 (MANE Select); coding-DNA position 1257, G replaced by A.
Protein change: p.Gln419=; no amino-acid change (glutamine 419 retained).
Molecular consequence: synonymous variant.
Genome position (GRCh38, 1-based): chr15:45,362,124, C>T on the plus strand (G>A on the coding strand, the complement: GATM is on the minus strand). VCF-style: chr15-45362124-C-T. GRCh37 (hg19) VCF-style: chr15-45654322-C-T.
Other names: NM_001482.3(GATM):c.1257G>A; p.Gln419=; c.870G>A, p.Gln290= (NM_001321015.2).
Identifiers: ClinVar variation 509542 (VCV000509542.7), dbSNP rs774881489, ClinGen allele CA7542750.

ClinVar aggregate classification (germline): Likely benign. Review status: reviewed by expert panel (3 of 4 stars). 4 submissions from 4 submitters: Likely benign (1). 3 of the submissions do not count toward it. Last evaluated 2022-06-06.

Conditions:
Fanconi renotubular syndrome 1. Also called: Toni-Debre-Fanconi syndrome; Neonatal De Toni-Debre-Fanconi syndrome; De Toni-Fanconi syndrome; FRTS1; LUDER-SHELDON SYNDROME. Identifiers: MedGen C4551503, MONDO:0024525, OMIM 134600.
Arginine:glycine amidinotransferase deficiency (CCDS3). Also called: L-Arginine:Glycine Amidinotransferase (AGAT) Deficiency; Cerebral creatine deficiency syndrome 3; AGAT deficiency; L-Arginine:Glycine Amidinotransferase Deficiency; Creatine deficiency syndrome due to AGAT deficiency; GATM deficiency. Identifiers: Orphanet 35704, MedGen C2675179, MONDO:0012996, OMIM 612718.

Allele frequency attached by ClinVar (database versions not stated): ExAC 0.00001; gnomAD exomes 0.00001.
gnomAD v4.1: 7 of 1,611,518 alleles (0.00043%); highest among the groups gnomAD compares: South Asian, 0.0044%; 1 homozygote.

Submissions (4):

ClinGen Cerebral Creatine Deficiency Syndromes Variant Curation Expert Panel, ClinGen
Classification: Likely benign for Arginine:glycine amidinotransferase deficiency. Last evaluated: 2022-06-06. Review status: reviewed by expert panel. Criteria: ClinGen_CCDS_ACMG_Specifications_GATM_v1.1. Collection method: curation. Allele origin: germline. Inheritance: Autosomal recessive inheritance.
Comment: The NM_001482.3:c.1257G>A (p.Gln419=) variant in GATM is a synonymous (silent) variant that is not predicted by SpliceAI to impact splicing. In addition, it occurs at a nucleotide that is not highly conserved as shown by PhyloP (BP7). The highest population minor allele frequency in gnomAD v2.1.1 is 0.00003 (1/30612 alleles) in the South Asian population, which is lower than the ClinGen CCDS VCEP’s threshold for PM2_Supporting (<0.000055), meeting this criterion (PM2_Supporting). The computational splicing predictor SpliceAI gives a score of 0.0 for donor and acceptor loss suggesting that the variant has no impact on splicing (BP4). There is a ClinVar entry for this variant (Variation ID: 509542). Although this variant is rare (meeting PM2_Supporting), it has been classified as likely benign by the ClinGen CCDS VCEP based on the recommendation of Richards et al (PMID: 25741868) because it is a synonymous variant, the altered nucleotide is not highly conserved, computational prediction suggests no impact on splicing, and there is no additional evidence to suggest that the variant is disease-causing. GATM-specific ACMG/AMP criteria applied, as specified by the CCDS VCEP (Specifications Version 1.1.0): PM2_Supporting, BP4, BP7. (Classification approved by the ClinGen CCDS VCEP on June 6, 2022).

Labcorp Genetics (formerly Invitae), Labcorp
Classification: Likely benign for Arginine:glycine amidinotransferase deficiency. Last evaluated: 2025-10-13. Review status: criteria provided, single submitter. Criteria: Invitae Variant Classification Sherloc (09022015). Collection method: clinical testing. Allele origin: germline. Not counted in ClinVar's aggregate classification.

Fulgent Genetics
Classification: Likely benign for Fanconi renotubular syndrome 1; Arginine:glycine amidinotransferase deficiency. Last evaluated: 2021-10-15. Review status: criteria provided, single submitter. Criteria: ACMG Guidelines, 2015. Collection method: clinical testing. Allele origin: unknown. Not counted in ClinVar's aggregate classification.

GeneDx
Classification: Likely benign. Last evaluated: 2017-05-10. Review status: criteria provided, single submitter. Criteria: GeneDx Variant Classification (06012015). Collection method: clinical testing. Allele origin: germline. Affected: yes. Not counted in ClinVar's aggregate classification.
Comment: This variant is considered likely benign or benign based on one or more of the following criteria: it is a conservative change, it occurs at a poorly conserved position in the protein, it is predicted to be benign by multiple in silico algorithms, and/or has population frequency not consistent with disease.